The following is an entry in ClinVar:

ClinVar aggregate classification (germline): Uncertain significance (1 of 4 stars; one submission).

Allele frequency attached by ClinVar (database versions not stated): TOPMed 0.00002.

Submission:

Labcorp Genetics (formerly Invitae), Labcorp
Classification: Uncertain significance. Last evaluated: 2022-01-07. Review status: criteria provided, single submitter. Criteria: Invitae Variant Classification Sherloc (09022015). Collection method: clinical testing. Allele origin: germline.
Comment: This sequence change falls in intron 24 of the TRPM1 gene. It does not directly change the encoded amino acid sequence of the TRPM1 protein. It affects a nucleotide within the consensus splice site. This variant is not present in population databases (gnomAD no frequency). This variant has not been reported in the literature in individuals affected with TRPM1-related conditions. ClinVar contains an entry for this variant (Variation ID: 969400). Variants that disrupt the consensus splice site are a relatively common cause of aberrant splicing (PMID: 17576681, 9536098). Algorithms developed to predict the effect of sequence changes on RNA splicing suggest that this variant may disrupt the consensus splice site. In summary, the available evidence is currently insufficient to determine the role of this variant in disease. Therefore, it has been classified as a Variant of Uncertain Significance.

Literature cited by the submitters: PubMed 17576681; PubMed 9536098.

NM_001252024.2(TRPM1):c.3293+5del

Genes: TRPM1 (transient receptor potential cation channel subfamily M member 1; minus strand), TRPM1-AS1 (TRPM1 antisense RNA 1; plus strand). Cytogenetic location: 15q13.3.
Variant type: Deletion.
Coding change: c.3293+5del on transcript NM_001252024.2 (MANE Select); 5 bases into the intron after coding-DNA position 3293, one base deleted (G; older notation c.3293+5delG).
Molecular consequence: intron variant.
Genome position (GRCh38, 1-based): chr15:31,028,327, C deleted on the plus strand (G on the coding strand, the reverse complement: TRPM1 is on the minus strand). VCF-style (leftmost placement, unchanged base first): chr15-31028326-AC-A. GRCh37 (hg19) VCF-style: chr15-31320529-AC-A.
Other names: c.3344+5del (NM_001252020.2); c.3227+5del (NM_002420.6).
Identifiers: ClinVar variation 969400 (VCV000969400.8), dbSNP rs1054619644, ClinGen allele CA267514709.